The following is an entry in ClinVar:

ClinVar aggregate classification (germline): Benign/Likely benign. Review status: criteria provided, multiple submitters, no conflicts (2 of 4 stars). 4 submissions from 4 submitters: Benign (1); Likely benign (3). Last evaluated 2025-03-13.

Allele frequency attached by ClinVar (database versions not stated): TOPMed 0.00005; gnomAD exomes 0.00012; ExAC 0.00035.
gnomAD v4.1: 113 of 1,579,876 alleles (0.0072%); highest among the groups gnomAD compares: Middle Eastern, 0.25%; 2 homozygotes.

Submissions (4):

Labcorp Genetics (formerly Invitae), Labcorp
Classification: Likely benign. Last evaluated: 2025-03-13. Review status: criteria provided, single submitter. Criteria: Invitae Variant Classification Sherloc (09022015). Collection method: clinical testing. Allele origin: germline.

Blueprint Genetics
Classification: Likely benign. Last evaluated: 2024-11-06. Review status: criteria provided, single submitter. Criteria: ACMG Guidelines, 2015. Collection method: clinical testing. Allele origin: germline.

CeGaT Center for Human Genetics Tuebingen
Classification: Likely benign. Last evaluated: 2023-03-01. Review status: criteria provided, single submitter. Criteria: CeGaT Center For Human Genetics Tuebingen Variant Classification Criteria Version 2. Collection method: clinical testing. Allele origin: germline. Affected: yes. Observed: 2 variant alleles.
Comment: SPTBN2: BP4, BP7

Athena Diagnostics
Classification: Benign. Last evaluated: 2020-11-17. Review status: criteria provided, single submitter. Criteria: Athena Diagnostics criteria. Collection method: clinical testing. Allele origin: unknown.

NM_006946.4(SPTBN2):c.2022C>T (p.Thr674=)

Gene: SPTBN2 (spectrin beta, non-erythrocytic 2; minus strand). Cytogenetic location: 11q13.2.
Variant type: single nucleotide variant.
Coding change: c.2022C>T on transcript NM_006946.4 (MANE Select); coding-DNA position 2022, C replaced by T.
Protein change: p.Thr674=; no amino-acid change (threonine 674 retained).
Molecular consequence: synonymous variant.
Genome position (GRCh38, 1-based): chr11:66,705,254, G>A on the plus strand (C>T on the coding strand, the complement: SPTBN2 is on the minus strand). VCF-style: chr11-66705254-G-A. GRCh37 (hg19) VCF-style: chr11-66472725-G-A.
Identifiers: ClinVar variation 872442 (VCV000872442.47), dbSNP rs377439463, ClinGen allele CA6129198.
Genomic context (GRCh38, chr11:66,705,254, plus strand): 5'-CAGCCGGCCGCTCATCTCGCCCCGCAGGGCTGTGTGCTTGTTGAGCAGGCGGAGGGCACC[G>A]GTCAGGTCTCGGCCCGTGTCGGCTGAGGCCAGGAGGTGCTGCTGCTCCCGCACCCAGGCC-3'
Protein context (NP_008877.2, residues 664-684): LASADTGRDL[Thr674=]GALRLLNKHT